The following is an entry in ClinVar:

NM_000179.3(MSH6):c.1711G>T (p.Gly571Cys)

Gene: MSH6 (mutS homolog 6; plus strand). Cytogenetic location: 2p16.3.
Variant type: single nucleotide variant.
Coding change: c.1711G>T on transcript NM_000179.3 (MANE Select); coding-DNA position 1711, G replaced by T.
Protein change: p.Gly571Cys; replaces glycine 571 with cysteine.
Molecular consequence: missense variant.
Genome position (GRCh38, 1-based): chr2:47,799,694, G>T. VCF-style: chr2-47799694-G-T. GRCh37 (hg19) VCF-style: chr2-48026833-G-T.
Other names: c.1321G>T, p.Gly441Cys (NM_001281492.2); c.805G>T, p.Gly269Cys (NM_001281493.2, NM_001281494.2, NM_001406811.1 and 6 more transcripts); c.1807G>T, p.Gly603Cys (NM_001406795.1, NM_001406802.1); c.1711G>T, p.Gly571Cys (NM_001406796.1, NM_001406798.1, NM_001406800.1 and 3 more transcripts); c.1414G>T, p.Gly472Cys (NM_001406797.1, NM_001406801.1, NM_001406805.1 and 10 more transcripts); c.1186G>T, p.Gly396Cys (NM_001406799.1, NM_001406806.1, NM_001406807.1); c.1633G>T, p.Gly545Cys (NM_001406804.1); c.1717G>T, p.Gly573Cys (NM_001406813.1); and 1 more; short protein forms G515C, G571C, G441C, G472C, G573C, G269C, G396C, G545C.
Identifiers: ClinVar variation 1778575 (VCV001778575.2), dbSNP rs757006198, ClinGen allele CA346748576.

ClinVar aggregate classification (germline): Uncertain significance (1 of 4 stars; one submission).

Conditions:
Hereditary cancer-predisposing syndrome. Also called: Neoplastic Syndromes, Hereditary; Tumor predisposition; Hereditary Cancer Syndrome; Hereditary neoplastic syndrome. Identifiers: Orphanet 140162, MedGen C0027672, MeSH D009386, MONDO:0015356.

Submission:

Ambry Genetics
Classification: Uncertain significance for Hereditary cancer-predisposing syndrome. Last evaluated: 2022-08-02. Review status: criteria provided, single submitter. Criteria: Ambry Variant Classification Scheme 2023. Collection method: clinical testing. Allele origin: germline.
Comment: The p.G571C variant (also known as c.1711G>T), located in coding exon 4 of the MSH6 gene, results from a G to T substitution at nucleotide position 1711. The glycine at codon 571 is replaced by cysteine, an amino acid with highly dissimilar properties. This amino acid position is highly conserved in available vertebrate species. In addition, this alteration is predicted to be deleterious by in silico analysis. Since supporting evidence is limited at this time, the clinical significance of this alteration remains unclear.